The following is an entry in ClinVar:

NM_006086.4(TUBB3):c.50G>T (p.Gly17Val)

Genes: TUBB3 (tubulin beta 3 class III; plus strand), LOC130059847 (ATAC-STARR-seq lymphoblastoid silent region 7932; plus strand). Cytogenetic location: 16q24.3.
Variant type: single nucleotide variant.
Coding change: c.50G>T on transcript NM_006086.4 (MANE Select); coding-DNA position 50, G replaced by T.
Protein change: p.Gly17Val; replaces glycine 17 with valine.
Molecular consequence: missense variant. On other transcripts: intron variant (1).
Genome position (GRCh38, 1-based): chr16:89,923,451, G>T. VCF-style: chr16-89923451-G-T. GRCh37 (hg19) VCF-style: chr16-89989859-G-T.
Other names: c.-160+1206G>T (NM_001197181.2); short protein forms G17V.
Identifiers: ClinVar variation 2446615 (VCV002446615.1), dbSNP rs2544615257, ClinGen allele CA397467184.

ClinVar aggregate classification (germline): Uncertain significance (1 of 4 stars; one submission).

Submission:

GeneDx
Classification: Uncertain significance. Last evaluated: 2022-09-28. Review status: criteria provided, single submitter. Criteria: GeneDx Variant Classification Process June 2021. Collection method: clinical testing. Allele origin: germline. Affected: yes.
Comment: Not observed at significant frequency in large population cohorts (gnomAD); Missense variants in this gene are often considered pathogenic (HGMD); In silico analysis supports that this missense variant has a deleterious effect on protein structure/function; Has not been previously published as pathogenic or benign to our knowledge; This variant is associated with the following publications: (PMID: 20829227)